The following is an entry in ClinVar:

ClinVar aggregate classification (germline): Uncertain significance. Review status: criteria provided, multiple submitters, no conflicts (2 of 4 stars). 2 submissions from 2 submitters: Uncertain significance (2). Last evaluated 2025-02-06.

Conditions:
Inborn genetic diseases. Identifiers: MedGen C0950123, MeSH D030342.

gnomAD v4.1: 79 of 1,563,698 alleles (0.0051%); highest among the groups gnomAD compares: Non-Finnish European, 0.0026%; no homozygotes.

Submissions (2):

Ambry Genetics
Classification: Uncertain significance for Inborn genetic diseases. Last evaluated: 2025-02-06. Review status: criteria provided, single submitter. Criteria: Ambry Variant Classification Scheme 2023. Collection method: clinical testing. Allele origin: germline.

Mayo Clinic Laboratories, Mayo Clinic
Classification: Uncertain significance. Last evaluated: 2023-12-27. Review status: criteria provided, single submitter. Criteria: ACMG Guidelines, 2015. Collection method: clinical testing. Allele origin: germline. Observed: 1 variant allele.
Comment: BP4

Literature cited by the submitters: PubMed 25466870 (cited by Mayo Clinic Laboratories, Mayo Clinic).

NM_006260.5(DNAJC3):c.512C>T (p.Thr171Ile)

Gene: DNAJC3 (DnaJ heat shock protein family (Hsp40) member C3; plus strand). Cytogenetic location: 13q32.1.
Variant type: single nucleotide variant.
Coding change: c.512C>T on transcript NM_006260.5 (MANE Select); coding-DNA position 512, C replaced by T.
Protein change: p.Thr171Ile; replaces threonine 171 with isoleucine.
Molecular consequence: missense variant.
Genome position (GRCh38, 1-based): chr13:95,757,762, C>T. VCF-style: chr13-95757762-C-T. GRCh37 (hg19) VCF-style: chr13-96410016-C-T.
Other names: p.Thr171Ile; c.512C>T (NM_006260.4); short protein forms T171I.
Identifiers: ClinVar variation 3380162 (VCV003380162.2).
Genomic context (GRCh38, chr13:95,757,762, plus strand): 5'-CTGATGAAATGCAGCGTTTGCGTTCACAAGCACTTAACGCTTTTGGAAGTGGAGATTATA[C>T]TGCTGCTATAGCCTTCCTTGATAAGATTTTAGAGGTAAGTTTCTTAGATACTGCAGTTGA-3'
Protein context (NP_006251.1, residues 161-181): ALNAFGSGDY[Thr171Ile]AAIAFLDKIL